The following is an entry in ClinVar:

ClinVar aggregate classification (germline): Uncertain significance (1 of 4 stars; one submission).

Allele frequency attached by ClinVar (database versions not stated): TOPMed below 0.00001; gnomAD 0.00001; gnomAD exomes 0.00001; ExAC 0.00002; ESP Exome Variant Server 0.00008.
gnomAD v4.1: 12 of 1,614,036 alleles (0.00074%); highest among the groups gnomAD compares: Admixed American, 0.0017%; no homozygotes.

Submission:

Labcorp Genetics (formerly Invitae), Labcorp
Classification: Uncertain significance. Last evaluated: 2022-11-22. Review status: criteria provided, single submitter. Criteria: Invitae Variant Classification Sherloc (09022015). Collection method: clinical testing. Allele origin: germline.
Comment: In summary, the available evidence is currently insufficient to determine the role of this variant in disease. Therefore, it has been classified as a Variant of Uncertain Significance. Algorithms developed to predict the effect of missense changes on protein structure and function (SIFT, PolyPhen-2, Align-GVGD) all suggest that this variant is likely to be disruptive. This variant has not been reported in the literature in individuals affected with UBE2T-related conditions. This variant is present in population databases (rs146752001, gnomAD 0.003%). This sequence change replaces isoleucine, which is neutral and non-polar, with threonine, which is neutral and polar, at codon 128 of the UBE2T protein (p.Ile128Thr).

NM_014176.4(UBE2T):c.383T>C (p.Ile128Thr)

Gene: UBE2T (ubiquitin conjugating enzyme E2 T; minus strand). Cytogenetic location: 1q32.1.
Variant type: single nucleotide variant.
Coding change: c.383T>C on transcript NM_014176.4 (MANE Select); coding-DNA position 383, T replaced by C.
Protein change: p.Ile128Thr; replaces isoleucine 128 with threonine.
Molecular consequence: missense variant.
Genome position (GRCh38, 1-based): chr1:202,333,238, A>G on the plus strand (T>C on the coding strand, the complement: UBE2T is on the minus strand). VCF-style: chr1-202333238-A-G. GRCh37 (hg19) VCF-style: chr1-202302366-A-G.
Other names: c.293T>C, p.Ile98Thr (NM_001310326.2); short protein forms I128T, I98T.
Identifiers: ClinVar variation 2172891 (VCV002172891.4), dbSNP rs146752001, ClinGen allele CA1332370.